The following is an entry in ClinVar:

ClinVar aggregate classification (germline): Likely benign. Review status: criteria provided, multiple submitters, no conflicts (2 of 4 stars). 3 submissions from 3 submitters: Likely benign (2). 1 of the submissions does not count toward it. Last evaluated 2018-07-10.

Conditions:
PIKFYVE-related disorder. Also called: PIKFYVE-related condition.

Allele frequency attached by ClinVar (database versions not stated): TOPMed 0.00014; gnomAD 0.00020; gnomAD exomes 0.00022 and 0.00040; ExAC 0.00033.
gnomAD v4.1: 356 of 1,603,880 alleles (0.022%); highest among the groups gnomAD compares: Middle Eastern, 0.05%; no homozygotes.

Submissions (3):

Labcorp Genetics (formerly Invitae), Labcorp
Classification: Likely benign. Last evaluated: 2018-07-10. Review status: criteria provided, single submitter. Criteria: Invitae Variant Classification Sherloc (09022015). Collection method: clinical testing. Allele origin: germline.

Breakthrough Genomics
Classification: Likely benign. Review status: criteria provided, single submitter. Criteria: ACMG Guidelines, 2015. Collection method: not provided. Allele origin: germline. Inheritance: Autosomal dominant inheritance. Affected: yes.

PreventionGenetics, part of Exact Sciences
Classification: Likely benign for PIKFYVE-related condition. Last evaluated: 2019-07-12. Review status: no assertion criteria provided. Collection method: clinical testing. Allele origin: germline. Not counted in ClinVar's aggregate classification.
Comment: This variant is classified as likely benign based on ACMG/AMP sequence variant interpretation guidelines (Richards et al. 2015 PMID: 25741868, with internal and published modifications).

NM_015040.4(PIKFYVE):c.4157G>A (p.Arg1386Gln)

Gene: PIKFYVE (phosphoinositide kinase, FYVE-type zinc finger containing; plus strand). Cytogenetic location: 2q34.
Variant type: single nucleotide variant.
Coding change: c.4157G>A on transcript NM_015040.4 (MANE Select); coding-DNA position 4157, G replaced by A.
Protein change: p.Arg1386Gln; replaces arginine 1386 with glutamine.
Molecular consequence: missense variant.
Genome position (GRCh38, 1-based): chr2:208,335,320, G>A. VCF-style: chr2-208335320-G-A. GRCh37 (hg19) VCF-style: chr2-209200044-G-A.
Other names: short protein forms R1386Q.
Identifiers: ClinVar variation 735230 (VCV000735230.6), dbSNP rs200003212, ClinGen allele CA2080242.